The following is an entry in ClinVar:

NM_003803.4(MYOM1):c.991C>T (p.Arg331Ter)

Gene: MYOM1 (myomesin 1; minus strand). Cytogenetic location: 18p11.31.
Variant type: single nucleotide variant.
Coding change: c.991C>T on transcript NM_003803.4 (MANE Select); coding-DNA position 991, C replaced by T.
Protein change: p.Arg331Ter; replaces arginine 331 with a stop codon.
Molecular consequence: nonsense.
Genome position (GRCh38, 1-based): chr18:3,176,073, G>A on the plus strand (C>T on the coding strand, the complement: MYOM1 is on the minus strand). VCF-style: chr18-3176073-G-A. GRCh37 (hg19) VCF-style: chr18-3176071-G-A.
Other names: c.991C>T, p.Arg331Ter (NM_019856.2); short protein forms R331*.
Identifiers: ClinVar variation 2154490 (VCV002154490.4), dbSNP rs768639378, ClinGen allele CA8875106.
Genomic context (GRCh38, chr18:3,176,073, plus strand): 5'-GCAACACATGGACACTAATGTTCTCTTACCCATTAATCTCCAGAGTGTGCATCCCATATC[G>A]ACTCTCAATAATATACTTTCCAGGGTTTGCATGGACATTTATTGGCACCTGGTTTTTATA-3'

ClinVar aggregate classification (germline): Uncertain significance (1 of 4 stars; one submission).

Conditions:
Hypertrophic cardiomyopathy. Also called: HYPERTROPHIC MYOCARDIOPATHY. Identifiers: Orphanet 217569, MedGen C0007194, MeSH D002312, MONDO:0005045, HP:0001639.

Allele frequency attached by ClinVar (database versions not stated): gnomAD 0.00001; gnomAD exomes 0.00002; TOPMed 0.00002; ExAC 0.00003.
gnomAD v4.1: 25 of 1,605,544 alleles (0.0016%); highest among the groups gnomAD compares: Admixed American, 0.0083%; no homozygotes.

Submission:

Labcorp Genetics (formerly Invitae), Labcorp
Classification: Uncertain significance for Hypertrophic cardiomyopathy. Last evaluated: 2026-01-21. Review status: criteria provided, single submitter. Criteria: Invitae Variant Classification Sherloc (09022015). Collection method: clinical testing. Allele origin: germline.
Comment: This sequence change creates a premature translational stop signal (p.Arg331*) in the MYOM1 gene. It is expected to result in an absent or disrupted protein product. However, the current clinical and genetic evidence is not sufficient to establish whether loss-of-function variants in MYOM1 cause disease. This variant is present in population databases (rs768639378, gnomAD 0.01%). This variant has not been reported in the literature in individuals affected with MYOM1-related conditions. ClinVar contains an entry for this variant (Variation ID: 2154490). In summary, the available evidence is currently insufficient to determine the role of this variant in disease. Therefore, it has been classified as a Variant of Uncertain Significance.